The following is an entry in ClinVar:

NM_001289808.2(CRYAB):c.360G>T (p.Arg120Ser)

Gene: CRYAB (crystallin alpha B; minus strand). Cytogenetic location: 11q23.1.
Variant type: single nucleotide variant.
Coding change: c.360G>T on transcript NM_001289808.2 (MANE Select); coding-DNA position 360, G replaced by T.
Protein change: p.Arg120Ser; replaces arginine 120 with serine.
Molecular consequence: missense variant.
Genome position (GRCh38, 1-based): chr11:111,908,932, C>A on the plus strand (G>T on the coding strand, the complement: CRYAB is on the minus strand). VCF-style: chr11-111908932-C-A. GRCh37 (hg19) VCF-style: chr11-111779656-C-A.
Other names: c.360G>T, p.Arg120Ser (NM_001289807.1, NM_001368245.1, NM_001885.3); c.159G>T, p.Arg53Ser (NM_001330379.1, NM_001368246.1); short protein forms R120S, R53S.
Identifiers: ClinVar variation 4869430 (VCV004869430.1).

ClinVar aggregate classification (germline): Uncertain significance (1 of 4 stars; one submission).

Conditions:
Cardiovascular phenotype. Identifiers: MedGen CN230736.

Submission:

Ambry Genetics
Classification: Uncertain significance for Cardiovascular phenotype. Last evaluated: 2026-06-01. Review status: criteria provided, single submitter. Criteria: Ambry Variant Classification Scheme 2023. Collection method: clinical testing. Allele origin: germline.
Comment: The p.R120S variant (also known as c.360G>T), located in coding exon 3 of the CRYAB gene, results from a G to T substitution at nucleotide position 360. The arginine at codon 120 is replaced by serine, an amino acid with dissimilar properties. This amino acid position is conserved. In addition, this alteration is predicted to be deleterious by in silico analysis. Based on the available evidence, the clinical significance of this variant remains unclear.